The following is an entry in ClinVar:

NM_001267550.2(TTN):c.7166T>A (p.Met2389Lys)

Genes: TTN (titin; minus strand), LOC126806433 (BRD4-independent group 4 enhancer GRCh37_chr2:179638309-179639508; plus strand). Cytogenetic location: 2q31.2.
Variant type: single nucleotide variant.
Coding change: c.7166T>A on transcript NM_001267550.2 (MANE Select); coding-DNA position 7166, T replaced by A.
Protein change: p.Met2389Lys; replaces methionine 2389 with lysine.
Molecular consequence: missense variant.
Genome position (GRCh38, 1-based): chr2:178,774,002, A>T on the plus strand (T>A on the coding strand, the complement: TTN is on the minus strand). VCF-style: chr2-178774002-A-T. GRCh37 (hg19) VCF-style: chr2-179638729-A-T.
Other names: c.7166T>A, p.Met2389Lys (NM_001256850.1, NM_133378.4, NM_133379.5); c.7028T>A, p.Met2343Lys (NM_003319.4, NM_133432.3, NM_133437.4); short protein forms M2343K, M2389K.
Identifiers: ClinVar variation 2437477 (VCV002437477.5), dbSNP rs748735241, ClinGen allele CA2004884.
Genomic context (GRCh38, chr2:178,774,002, plus strand): 5'-GATTGTTTGTCTATCACAATGTGAACCCTGTCACTGGGCTGCACTTCTTGGCCGTCTTTC[A>T]TCCAGACGCCTTCCACACTTTCCAAGGAGACTTTAACTTCAAGCTGAACAATGTCACCCT-3'
Protein context (NP_001254479.2, residues 2379-2399): VSLESVEGVW[Met2389Lys]KDGQEVQPSD

ClinVar aggregate classification (germline): Uncertain significance. Review status: criteria provided, multiple submitters, no conflicts (2 of 4 stars). 3 submissions from 3 submitters: Uncertain significance (3). Last evaluated 2025-05-23.

Conditions:
TTN-related disorder. Also called: TTN-related condition; TTN-related disease; TTN-related disorders.

Allele frequency attached by ClinVar (database versions not stated): ExAC 0.00001; gnomAD 0.00001; TOPMed 0.00002.
gnomAD v4.1: 6 of 1,613,988 alleles (0.00037%); highest among the groups gnomAD compares: Non-Finnish European, 0.00051%; no homozygotes.

Submissions (3):

PreventionGenetics, part of Exact Sciences
Classification: Uncertain significance for TTN-related condition. Last evaluated: 2025-05-23. Review status: criteria provided, single submitter. Criteria: ACMG Guidelines, 2015. Collection method: clinical testing. Allele origin: germline.
Comment: The TTN c.7166T>A variant is predicted to result in the amino acid substitution p.Met2389Lys. To our knowledge, this variant has not been reported in the literature. This variant is reported in 0.0018% of alleles in individuals of European (Non-Finnish) descent in gnomAD. At this time, the clinical significance of this variant is uncertain due to the absence of conclusive functional and genetic evidence.

Women's Health and Genetics/Laboratory Corporation of America, LabCorp
Classification: Uncertain significance. Last evaluated: 2023-07-16. Review status: criteria provided, single submitter. Criteria: LabCorp Variant Classification Summary - May 2015. Collection method: clinical testing. Allele origin: germline.

Revvity Omics, Revvity
Classification: Uncertain significance. Last evaluated: 2020-04-27. Review status: criteria provided, single submitter. Criteria: ACMG Guidelines, 2015. Collection method: clinical testing. Allele origin: germline.